The following is an entry in ClinVar:

ClinVar aggregate classification (germline): Uncertain significance. Review status: criteria provided, multiple submitters, no conflicts (2 of 4 stars). 3 submissions from 3 submitters: Uncertain significance (3). Last evaluated 2026-03-27.

Conditions:
Cardiovascular phenotype. Identifiers: MedGen CN230736.
Inborn genetic diseases. Identifiers: MedGen C0950123, MeSH D030342.

Allele frequency attached by ClinVar (database versions not stated): gnomAD exomes 0.00001; ExAC 0.00006; TOPMed below 0.00001.
gnomAD v4.1: 19 of 1,613,554 alleles (0.0012%); highest among the groups gnomAD compares: South Asian, 0.011%; no homozygotes.

Submissions (3):

Molecular Diagnostic Laboratory for Inherited Cardiovascular Disease, Montreal Heart Institute
Classification: Uncertain significance for Cardiovascular phenotype. Last evaluated: 2026-03-27. Review status: criteria provided, single submitter. Criteria: ACMG Guidelines, 2015. Collection method: clinical testing. Allele origin: germline. Affected: yes.
Comment: PM1, BP4

Labcorp Genetics (formerly Invitae), Labcorp
Classification: Uncertain significance. Last evaluated: 2025-11-24. Review status: criteria provided, single submitter. Criteria: Invitae Variant Classification Sherloc (09022015). Collection method: clinical testing. Allele origin: germline.
Comment: This sequence change replaces isoleucine, which is neutral and non-polar, with valine, which is neutral and non-polar, at codon 644 of the TNNI3K protein (p.Ile644Val). This variant is present in population databases (rs765917828, gnomAD 0.01%). This variant has not been reported in the literature in individuals affected with TNNI3K-related conditions. ClinVar contains an entry for this variant (Variation ID: 1940701). An algorithm developed to predict the effect of missense changes on protein structure and function (PolyPhen-2) suggests that this variant is likely to be tolerated. In summary, the available evidence is currently insufficient to determine the role of this variant in disease. Therefore, it has been classified as a Variant of Uncertain Significance.

Ambry Genetics
Classification: Uncertain significance for Inborn genetic diseases. Last evaluated: 2025-03-31. Review status: criteria provided, single submitter. Criteria: Ambry Variant Classification Scheme 2023. Collection method: clinical testing. Allele origin: germline.

NM_015978.3(TNNI3K):c.1930A>G (p.Ile644Val)

Genes: FPGT-TNNI3K (FPGT-TNNI3K readthrough; plus strand), TNNI3K (TNNI3 interacting kinase; plus strand). Cytogenetic location: 1p31.1.
Variant type: single nucleotide variant.
Coding change: c.1930A>G on transcript NM_015978.3 (MANE Select); coding-DNA position 1930, A replaced by G.
Protein change: p.Ile644Val; replaces isoleucine 644 with valine.
Molecular consequence: missense variant.
Genome position (GRCh38, 1-based): chr1:74,439,541, A>G. VCF-style: chr1-74439541-A-G. GRCh37 (hg19) VCF-style: chr1-74905225-A-G.
Other names: c.1930A>G (NM_015978.2); c.2233A>G, p.Ile745Val (NM_001112808.3, NM_001199327.2); short protein forms I644V, I745V.
Identifiers: ClinVar variation 1940701 (VCV001940701.7), dbSNP rs765917828, ClinGen allele CA909519.
Genomic context (GRCh38, chr1:74,439,541, plus strand): 5'-GATGTGCAGAACCTCCGTTGGATGGCTCCTGAGGTGTTCACGCAGTGCACTCGGTACACC[A>G]TCAAAGCAGATGTCTTCAGCTATGCTCTGTGTCTGTGGGAAATTCTCACTGGCGAAATTC-3'
Protein context (NP_057062.1, residues 634-654): EVFTQCTRYT[Ile644Val]KADVFSYALC